The following is an entry in ClinVar:

ClinVar aggregate classification (germline): Pathogenic (1 of 4 stars; one submission).

Conditions:
Telangiectasia, hereditary hemorrhagic, type 1 (HHT1). Also called: Osler Weber Rendu syndrome type 1; ENG-Related Hereditary Hemorrhagic Telangiectasia. Identifiers: Orphanet 774, MedGen C4551861, MONDO:0008535, OMIM 187300. Disease mechanism: loss of function.

Submission:

NIHR Bioresource Rare Diseases, University of Cambridge
Classification: Pathogenic for Telangiectasia, hereditary hemorrhagic, type 1. Last evaluated: 2018-01-01. Review status: criteria provided, single submitter. Criteria: ACMG Guidelines, 2015. Collection method: research. Allele origin: unknown. Affected: yes. Observed: 1 variant allele.
Comment: PVS1+PM2+PP4

Literature cited by the submitters: PubMed 32573726.

NM_001114753.3(ENG):c.68-4227_219+104del

Gene: ENG (endoglin; minus strand). Cytogenetic location: 9q34.11.
Variant type: Deletion.
Coding change: c.68-4227_219+104del on transcript NM_001114753.3 (MANE Select); 4227 bases into the intron before coding-DNA position 68 through 104 bases into the intron after coding-DNA position 219, 4,483 bases deleted.
Molecular consequence: splice acceptor variant, splice donor variant.
Genome position (GRCh38, 1-based): chr9:127,842,990-127,847,472, 4,483 bases deleted. GRCh37 (hg19): chr9:130,605,269-130,609,751.
Other names: c.68-4227_219+104del (NM_000118.4, NM_001406715.1).
Identifiers: ClinVar variation 982464 (VCV000982464.3), ClinGen allele CA1139661226.